The following is an entry in ClinVar:

ClinVar aggregate classification (germline): Likely benign. Review status: criteria provided, multiple submitters, no conflicts (2 of 4 stars). 3 submissions from 3 submitters: Likely benign (2). 1 of the submissions does not count toward it. Last evaluated 2025-08-14.

Conditions:
TALDO1-related disorder. Also called: TALDO1-related condition.

Allele frequency attached by ClinVar (database versions not stated): ExAC 0.00005; ESP Exome Variant Server 0.00008; gnomAD 0.00012; 1000 Genomes Project 0.00020; 1000 Genomes Project 30x 0.00031.
gnomAD v4.1: 47 of 1,609,978 alleles (0.0029%); highest among the groups gnomAD compares: Admixed American, 0.035%; no homozygotes.

Submissions (3):

Labcorp Genetics (formerly Invitae), Labcorp
Classification: Likely benign. Last evaluated: 2025-08-14. Review status: criteria provided, single submitter. Criteria: Invitae Variant Classification Sherloc (09022015). Collection method: clinical testing. Allele origin: germline.

Mayo Clinic Laboratories, Mayo Clinic
Classification: Likely benign. Last evaluated: 2025-01-20. Review status: criteria provided, single submitter. Criteria: ACMG Guidelines, 2015. Collection method: clinical testing. Allele origin: germline. Observed: 1 variant allele.
Comment: BP4, BP7

PreventionGenetics, part of Exact Sciences
Classification: Likely benign for TALDO1-related condition. Last evaluated: 2021-06-16. Review status: no assertion criteria provided. Collection method: clinical testing. Allele origin: germline. Not counted in ClinVar's aggregate classification.
Comment: This variant is classified as likely benign based on ACMG/AMP sequence variant interpretation guidelines (Richards et al. 2015 PMID: 25741868, with internal and published modifications).

NM_006755.2(TALDO1):c.501G>A (p.Thr167=)

Genes: TALDO1 (transaldolase 1; plus strand), LOC126861110 (CDK7 strongly-dependent group 2 enhancer GRCh37_chr11:762588-763787; plus strand). Cytogenetic location: 11p15.5.
Variant type: single nucleotide variant.
Coding change: c.501G>A on transcript NM_006755.2 (MANE Select); coding-DNA position 501, G replaced by A.
Protein change: p.Thr167=; no amino-acid change (threonine 167 retained).
Molecular consequence: synonymous variant.
Genome position (GRCh38, 1-based): chr11:763,383, G>A. VCF-style: chr11-763383-G-A. GRCh37 (hg19) VCF-style: chr11-763383-G-A.
Other names: p.Thr167=; c.501G>A (NM_006755.1).
Identifiers: ClinVar variation 2156000 (VCV002156000.7), dbSNP rs148922231, ClinGen allele CA5788194.